The following is an entry in ClinVar:

NM_001330260.2(SCN8A):c.1876T>C (p.Ser626Pro)

Gene: SCN8A (sodium voltage-gated channel alpha subunit 8; plus strand). Cytogenetic location: 12q13.13.
Variant type: single nucleotide variant.
Coding change: c.1876T>C on transcript NM_001330260.2 (MANE Select); coding-DNA position 1876, T replaced by C.
Protein change: p.Ser626Pro; replaces serine 626 with proline.
Molecular consequence: missense variant.
Genome position (GRCh38, 1-based): chr12:51,721,786, T>C. VCF-style: chr12-51721786-T-C. GRCh37 (hg19) VCF-style: chr12-52115570-T-C.
Other names: c.1876T>C, p.Ser626Pro (NM_001177984.3, NM_001369788.1, NM_014191.4); short protein forms S626P.
Identifiers: ClinVar variation 1321113 (VCV001321113.12), dbSNP rs753009673, ClinGen allele CA6571352.

ClinVar aggregate classification (germline): Conflicting classifications of pathogenicity. Review status: criteria provided, conflicting classifications (1 of 4 stars). 4 submissions from 4 submitters: Uncertain significance (2); Likely benign (1). 1 of the submissions does not count toward it. Last evaluated 2024-04-22.

Conditions:
Early-infantile DEE. Also called: Ohtahara syndrome; Early infantile epileptic encephalopathy; Early infantile epileptic encephalopathy with suppression bursts. Identifiers: Orphanet 1934, MedGen C0393706, MONDO:0800491.
SCN8A-related disorder.

Allele frequency attached by ClinVar (database versions not stated): TOPMed 0.00001; gnomAD exomes 0.00002 and 0.00004; ExAC 0.00003.
gnomAD v4.1: 63 of 1,610,380 alleles (0.0039%); highest among the groups gnomAD compares: Non-Finnish European, 0.0053%; no homozygotes.

Submissions (4):

Labcorp Genetics (formerly Invitae), Labcorp
Classification: Uncertain significance for Early-infantile DEE. Last evaluated: 2024-04-22. Review status: criteria provided, single submitter. Criteria: Invitae Variant Classification Sherloc (09022015). Collection method: clinical testing. Allele origin: germline.
Comment: This sequence change replaces serine, which is neutral and polar, with proline, which is neutral and non-polar, at codon 626 of the SCN8A protein (p.Ser626Pro). This variant is present in population databases (rs753009673, gnomAD 0.005%). This variant has not been reported in the literature in individuals affected with SCN8A-related conditions. ClinVar contains an entry for this variant (Variation ID: 1321113). Advanced modeling of protein sequence and biophysical properties (such as structural, functional, and spatial information, amino acid conservation, physicochemical variation, residue mobility, and thermodynamic stability) performed at Invitae indicates that this missense variant is not expected to disrupt SCN8A protein function with a negative predictive value of 95%. In summary, the available evidence is currently insufficient to determine the role of this variant in disease. Therefore, it has been classified as a Variant of Uncertain Significance.

Women's Health and Genetics/Laboratory Corporation of America, LabCorp
Classification: Uncertain significance. Last evaluated: 2023-10-10. Review status: criteria provided, single submitter. Criteria: LabCorp Variant Classification Summary - May 2015. Collection method: clinical testing. Allele origin: germline.
Comment: Variant summary: SCN8A c.1876T>C (p.Ser626Pro) results in a non-conservative amino acid change located in the Voltage-gated Na+ ion channel, cytoplasmic domain (IPR024583) of the encoded protein sequence. Four of five in-silico tools predict a damaging effect of the variant on protein function. The variant allele was found at a frequency of 2.1e-05 in 238064 control chromosomes. The available data on variant occurrences in the general population are insufficient to allow any conclusion about variant significance. To our knowledge, no occurrence of c.1876T>C in individuals affected with Early Infantile Epileptic Encephalopathy 13 and no experimental evidence demonstrating its impact on protein function have been reported. Two submitters have cited clinical-significance assessments for this variant to ClinVar after 2014. One submitter classified the variant as likely benign, and one submitter classified the variant as uncertain significance. Based on the evidence outlined above, the variant was classified as uncertain significance.

GeneDx
Classification: Likely benign. Last evaluated: 2020-12-14. Review status: criteria provided, single submitter. Criteria: GeneDx Variant Classification Process June 2021. Collection method: clinical testing. Allele origin: germline. Affected: yes.

PreventionGenetics, part of Exact Sciences
Classification: Uncertain significance for SCN8A-related condition. Last evaluated: 2024-06-28. Review status: no assertion criteria provided. Collection method: clinical testing. Allele origin: germline. Not counted in ClinVar's aggregate classification.
Comment: The SCN8A c.1876T>C variant is predicted to result in the amino acid substitution p.Ser626Pro. To our knowledge, this variant has not been reported in the literature. This variant is reported in 0.0047% of alleles in individuals of European (Non-Finnish) descent in gnomAD. At this time, the clinical significance of this variant is uncertain due to the absence of conclusive functional and genetic evidence.